The following is an entry in ClinVar:

NM_001367624.2(ZNF469):c.1354C>T (p.Pro452Ser)

Gene: ZNF469 (zinc finger protein 469; plus strand). Cytogenetic location: 16q24.2.
Variant type: single nucleotide variant.
Coding change: c.1354C>T on transcript NM_001367624.2 (MANE Select); coding-DNA position 1354, C replaced by T.
Protein change: p.Pro452Ser; replaces proline 452 with serine.
Molecular consequence: missense variant.
Genome position (GRCh38, 1-based): chr16:88,428,824, C>T. VCF-style: chr16-88428824-C-T. GRCh37 (hg19) VCF-style: chr16-88495232-C-T.
Other names: NM_001127464.1:c.1354C>T; short protein forms P452S.
Identifiers: ClinVar variation 1806767 (VCV001806767.1), dbSNP rs1324983268, ClinGen allele CA397066276.

ClinVar aggregate classification (germline): Uncertain significance (1 of 4 stars; one submission).

gnomAD v4.1: 1 of 1,547,854 alleles (0.000065%); highest among the groups gnomAD compares: Non-Finnish European, 0.000087%; no homozygotes.

Submission:

GeneDx
Classification: Uncertain significance. Last evaluated: 2022-06-20. Review status: criteria provided, single submitter. Criteria: GeneDx Variant Classification Process June 2021. Collection method: clinical testing. Allele origin: germline. Affected: yes.
Comment: Not observed at significant frequency in large population cohorts (gnomAD); In silico analysis supports that this missense variant does not alter protein structure/function; Has not been previously published as pathogenic or benign to our knowledge